The following is an entry in ClinVar:

ClinVar aggregate classification (germline): Uncertain significance (1 of 4 stars; one submission).

Conditions:
Aortic valve disease 2 (AOVD2). Identifiers: MedGen C3542024, MONDO:0013902, OMIM 614823.

Submission:

Labcorp Genetics (formerly Invitae), Labcorp
Classification: Uncertain significance for Aortic valve disease 2. Last evaluated: 2025-02-18. Review status: criteria provided, single submitter. Criteria: Invitae Variant Classification Sherloc (09022015). Collection method: clinical testing. Allele origin: germline.
Comment: This sequence change replaces aspartic acid, which is acidic and polar, with tyrosine, which is neutral and polar, at codon 351 of the SMAD6 protein (p.Asp351Tyr). This variant is present in population databases (no rsID available, gnomAD 0.01%). This variant has not been reported in the literature in individuals affected with SMAD6-related conditions. Invitae Evidence Modeling of protein sequence and biophysical properties (such as structural, functional, and spatial information, amino acid conservation, physicochemical variation, residue mobility, and thermodynamic stability) indicates that this missense variant is not expected to disrupt SMAD6 protein function with a negative predictive value of 80%. In summary, the available evidence is currently insufficient to determine the role of this variant in disease. Therefore, it has been classified as a Variant of Uncertain Significance.

NM_005585.5(SMAD6):c.1051G>T (p.Asp351Tyr)

Gene: SMAD6 (SMAD family member 6; plus strand). Cytogenetic location: 15q22.31.
Variant type: single nucleotide variant.
Coding change: c.1051G>T on transcript NM_005585.5 (MANE Select); coding-DNA position 1051, G replaced by T.
Protein change: p.Asp351Tyr; replaces aspartic acid 351 with tyrosine.
Molecular consequence: missense variant. On other transcripts: non-coding transcript variant (1).
Genome position (GRCh38, 1-based): chr15:66,781,095, G>T. VCF-style: chr15-66781095-G-T. GRCh37 (hg19) VCF-style: chr15-67073433-G-T.
Other names: short protein forms D351Y.
Identifiers: ClinVar variation 4754574 (VCV004754574.1).